The following is an entry in ClinVar:

ClinVar aggregate classification (germline): Uncertain significance. Review status: criteria provided, multiple submitters, no conflicts (2 of 4 stars). 2 submissions from 2 submitters: Uncertain significance (2). Last evaluated 2025-04-17.

Conditions:
Hereditary cancer-predisposing syndrome. Also called: Hereditary neoplastic syndrome; Neoplastic Syndromes, Hereditary; Hereditary Cancer Syndrome; Tumor predisposition. Identifiers: Orphanet 140162, MedGen C0027672, MeSH D009386, MONDO:0015356.
Familial adenomatous polyposis 1 (FAP1). Also called: FAMILIAL ADENOMATOUS POLYPOSIS 1, ATTENUATED; POLYPOSIS, ADENOMATOUS INTESTINAL. Identifiers: MedGen C2713442, MONDO:0021056, OMIM 175100. Disease mechanism: loss of function.

Submissions (2):

Ambry Genetics
Classification: Uncertain significance for Hereditary cancer-predisposing syndrome. Last evaluated: 2025-04-17. Review status: criteria provided, single submitter. Criteria: Ambry Variant Classification Scheme 2023. Collection method: clinical testing. Allele origin: germline.
Comment: The p.P1091L variant (also known as c.3272C>T), located in coding exon 15 of the APC gene, results from a C to T substitution at nucleotide position 3272. The proline at codon 1091 is replaced by leucine, an amino acid with similar properties. This amino acid position is conserved. In addition, in silico predictors for this gene do not accurately predict pathogenicity. Based on the available evidence, the clinical significance of this variant remains unclear.

Labcorp Genetics (formerly Invitae), Labcorp
Classification: Uncertain significance for Familial adenomatous polyposis 1. Last evaluated: 2022-08-19. Review status: criteria provided, single submitter. Criteria: Invitae Variant Classification Sherloc (09022015). Collection method: clinical testing. Allele origin: germline.
Comment: This sequence change replaces proline, which is neutral and non-polar, with leucine, which is neutral and non-polar, at codon 1091 of the APC protein (p.Pro1091Leu). This variant is not present in population databases (gnomAD no frequency). This variant has not been reported in the literature in individuals affected with APC-related conditions. Algorithms developed to predict the effect of missense changes on protein structure and function are either unavailable or do not agree on the potential impact of this missense change (SIFT: "Deleterious"; PolyPhen-2: "Benign"; Align-GVGD: "Class C0"). In summary, the available evidence is currently insufficient to determine the role of this variant in disease. Therefore, it has been classified as a Variant of Uncertain Significance.

NM_000038.6(APC):c.3272C>T (p.Pro1091Leu)

Gene: APC (APC regulator of Wnt signaling pathway; plus strand). Cytogenetic location: 5q22.2.
Variant type: single nucleotide variant.
Coding change: c.3272C>T on transcript NM_000038.6 (MANE Select); coding-DNA position 3272, C replaced by T.
Protein change: p.Pro1091Leu; replaces proline 1091 with leucine.
Molecular consequence: missense variant.
Genome position (GRCh38, 1-based): chr5:112,838,866, C>T. VCF-style: chr5-112838866-C-T. GRCh37 (hg19) VCF-style: chr5-112174563-C-T.
Other names: c.3272C>T, p.Pro1091Leu (NM_001127510.3, NM_001354895.2, NM_001407450.1); c.3218C>T, p.Pro1073Leu (NM_001127511.3); c.3326C>T, p.Pro1109Leu (NM_001354896.2, NM_001407447.1, NM_001407448.1 and 1 more transcripts); c.3302C>T, p.Pro1101Leu (NM_001354897.2); c.3197C>T, p.Pro1066Leu (NM_001354898.2); c.3188C>T, p.Pro1063Leu (NM_001354899.2); c.3149C>T, p.Pro1050Leu (NM_001354900.2); c.3095C>T, p.Pro1032Leu (NM_001354901.2, NM_001407453.1); and 12 more; short protein forms P1000L, P1008L, P1032L, P1050L, P1063L, P1066L, P1073L, P1081L.
Identifiers: ClinVar variation 1716909 (VCV001716909.7), dbSNP rs2149888486, ClinGen allele CA16028518.